The following is an entry in ClinVar:

ClinVar aggregate classification (germline): Likely pathogenic (1 of 4 stars; one submission).

Conditions:
Dyskeratosis congenita, autosomal recessive 6 (DKCB6). Identifiers: MedGen C4225356, MONDO:0014600, OMIM 616353.

Submission:

Laboratory of Functional Genomics, Research Centre for Medical Genetics
Classification: Likely pathogenic for Dyskeratosis congenita, autosomal recessive 6. Review status: criteria provided, single submitter. Criteria: ACMG Guidelines, 2015. Collection method: in vivo. Allele origin: paternal. Inheritance: Autosomal recessive inheritance. Affected: yes. Observed: 1 compound heterozygote.
Comment: These variants are in trans configuration. RNA analysis showed that the c.178-28T>C variant results in exon 4 skipping. At the protein level, this variant results in a truncation of 574 amino acids, p.His60ValfsTer7. It was observed that the expression of the exon-skipping transcript was reduced by approximately threefold, possibly due to activation of the nonsense-mediated decay (NMD) mechanism. Based on the combined data (PS3, PM2, PM3), the 178-28T>C variant in the PARN gene should be considered likely pathogenic.

NM_002582.4(PARN):c.178-28T>C

Gene: PARN (poly(A)-specific ribonuclease; minus strand). Cytogenetic location: 16p13.12.
Variant type: single nucleotide variant.
Coding change: c.178-28T>C on transcript NM_002582.4 (MANE Select); 28 bases into the intron before coding-DNA position 178, T replaced by C.
Molecular consequence: intron variant.
Genome position (GRCh38, 1-based): chr16:14,627,364, A>G on the plus strand (T>C on the coding strand, the complement: PARN is on the minus strand). VCF-style: chr16-14627364-A-G. GRCh37 (hg19) VCF-style: chr16-14721221-A-G.
Other names: chr16:14721221A>G; c.-6-28T>C (NM_001134477.3); c.159-228T>C (NM_001242992.2).
Identifiers: ClinVar variation 3336658 (VCV003336658.2).